The following is an entry in ClinVar:

NM_001267550.2(TTN):c.11308A>G (p.Lys3770Glu)

Gene: TTN (titin; minus strand). Cytogenetic location: 2q31.2.
Variant type: single nucleotide variant.
Coding change: c.11308A>G on transcript NM_001267550.2 (MANE Select); coding-DNA position 11308, A replaced by G.
Protein change: p.Lys3770Glu; replaces lysine 3770 with glutamic acid.
Molecular consequence: missense variant.
Genome position (GRCh38, 1-based): chr2:178,753,127, T>C on the plus strand (A>G on the coding strand, the complement: TTN is on the minus strand). VCF-style: chr2-178753127-T-C. GRCh37 (hg19) VCF-style: chr2-179617854-T-C.
Other names: c.10357A>G, p.Lys3453Glu (NM_001256850.1, NM_133378.4, NM_133379.5); c.10219A>G, p.Lys3407Glu (NM_003319.4); c.10594A>G, p.Lys3532Glu (NM_133432.3); c.10795A>G, p.Lys3599Glu (NM_133437.4); short protein forms K3407E, K3453E, K3532E, K3599E, K3770E.
Identifiers: ClinVar variation 2651711 (VCV002651711.24), dbSNP rs1379561393, ClinGen allele CA349668274.

ClinVar aggregate classification (germline): Uncertain significance (1 of 4 stars; one submission).

Allele frequency attached by ClinVar (database versions not stated): gnomAD exomes below 0.00001; gnomAD 0.00001; TOPMed 0.00001.
gnomAD v4.1: 4 of 1,608,852 alleles (0.00025%); highest among the groups gnomAD compares: Non-Finnish European, 0.00034%; no homozygotes.

Submission:

CeGaT Center for Human Genetics Tuebingen
Classification: Uncertain significance. Last evaluated: 2022-03-01. Review status: criteria provided, single submitter. Criteria: CeGaT Center For Human Genetics Tuebingen Variant Classification Criteria Version 2. Collection method: clinical testing. Allele origin: germline. Affected: yes. Observed: 1 variant allele.
Comment: TTN: PM2